The following is an entry in ClinVar:

NM_004004.6(GJB2):c.2T>C (p.Met1Thr)

Gene: GJB2 (gap junction protein beta 2; minus strand). Cytogenetic location: 13q12.11.
Variant type: single nucleotide variant.
Coding change: c.2T>C on transcript NM_004004.6 (MANE Select); coding-DNA position 2, T replaced by C.
Protein change: p.Met1Thr; changes the start codon (methionine 1).
Molecular consequence: missense variant, initiator codon variant.
Genome position (GRCh38, 1-based): chr13:20,189,580, A>G on the plus strand (T>C on the coding strand, the complement: GJB2 is on the minus strand). VCF-style: chr13-20189580-A-G. GRCh37 (hg19) VCF-style: chr13-20763719-A-G.
Other names: short protein forms M1T.
Identifiers: ClinVar variation 371781 (VCV000371781.27), dbSNP rs371086981, ClinGen allele CA6904336.
Genomic context (GRCh38, chr13:20,189,580, plus strand): 5'-CCAATGCTGGTGGAGTGTTTGTTCACACCCCCCAGGATCGTCTGCAGCGTGCCCCAATCC[A>G]TCTTCTACTCTGGGCGGTTTGCTCTGGAAAAGACGAATGCACACAACACAGGAATCACTA-3'
Protein context (NP_003995.2, residues 1-11): [Met1Thr]DWGTLQTILG

ClinVar aggregate classification (germline): Pathogenic. Review status: reviewed by expert panel (3 of 4 stars). 10 submissions from 9 submitters: Pathogenic (1). 9 of the submissions do not count toward it. Last evaluated 2024-03-28.

Conditions:
Autosomal dominant keratitis-ichthyosis-hearing loss syndrome. Also called: Senter syndrome; HID SYNDROME; KID SYNDROME, AUTOSOMAL DOMINANT. Identifiers: Orphanet 477, MedGen C0265336, MONDO:0007850, OMIM 148210.
Knuckle pads, deafness AND leukonychia syndrome. Also called: Bart-Pumphrey syndrome. Identifiers: Orphanet 2698, MedGen C0266004, MONDO:0007866, OMIM 149200.
Autosomal recessive nonsyndromic hearing loss 1A (DFNB1A). Also called: GJB6-Related DFNB 1 Nonsyndromic Hearing Loss and Deafness; Deafness, autosomal recessive 1A; Nonsyndromic Hearing Loss and Deafness, DFNB1; GJB2-Related Autosomal Recessive Nonsyndromic Hearing Loss; Connexin 26 deafness; Deafness nonsyndromic, Connexin 26 linked. Identifiers: Orphanet 90636, MedGen C2673759, MONDO:0009076, OMIM 220290.
Palmoplantar keratoderma-deafness syndrome. Also called: Keratoderma palmoplantar, with deafness; Palmoplantar keratoderma and sensorineural deafness; Hereditary palmoplantar keratoderma with deafness (subtype); Focal palmoplantar keratoderma with sensorineural deafness (subtype); Diffuse palmoplantar keratoderma with deafness (subtype). Identifiers: Orphanet 2202, MedGen C1835672, MONDO:0007852, OMIM 148350.
Ichthyosis, hystrix-like, with hearing loss. Also called: Hystrix-like ichthyosis with deafness. Identifiers: Orphanet 477, MedGen C1865234, MONDO:0011245.
Autosomal dominant nonsyndromic hearing loss 3A. Identifiers: Orphanet 90635, MedGen C2675750, MONDO:0011103, OMIM 601544.
Mutilating keratoderma (VOWNKL). Also called: Keratoderma hereditarium mutilans. Identifiers: Orphanet 494, MedGen C0265964, MONDO:0007422, OMIM 124500.
Nonsyndromic genetic hearing loss. Also called: Non-syndromic genetic deafness; Nonsyndromic genetic deafness; Nonsyndromic hearing loss and deafness. Identifiers: Orphanet 87884, MedGen C5680182, MONDO:0019497.
GJB2-related disorder. Also called: GJB2-related condition; GJB2-related disorders. Identifiers: MedGen CN382183, MONDO:1060236.

Allele frequency attached by ClinVar (database versions not stated): ExAC 0.00002; gnomAD 0.00003; ESP Exome Variant Server 0.00008; gnomAD exomes below 0.00001; TOPMed 0.00002.

Submissions (10):

ClinGen Hearing Loss Variant Curation Expert Panel
Classification: Pathogenic for Nonsyndromic genetic hearing loss. Last evaluated: 2024-03-28. Review status: reviewed by expert panel. Criteria: Clingen Hl Acmg Specifications Cdh23 Coch Gjb2 Kcnq4 Myo6 Myo7a Slc26a4 Tecta Ush2a V2. Collection method: curation. Allele origin: germline. Inheritance: Autosomal recessive inheritance.
Comment: The c.2T>C (p.Met1Thr) variant in GJB2 may cause a truncated or absent protein by altering the start codon of the coding sequence and is predicted to lead to the omission of a critical region of the protein. There have been multiple pathogenic variants observed in the region between this site and the next expected start codon (PVS1; ClinVar Variation IDs: 21387, 188758). There are also multiple pathogenic/likely pathogenic start-loss variants at this position which may indicate that this residue is critical to the function of the protein (ClinVar Variation IDs: 44729, 2070085, 550716, 551915). This variant has been observed in 0.0074% (8/107882) of the African population in the All of Us database (PM2_Supporting). It was identified in 1 patient with bilateral sensorineural hearing loss who also harbored an assumed trans pathogenic variant (0.5 PM3_Supporting points; Athena Diagnostics internal data, SCV001143666.1). In summary, this variant meets criteria to be classified as pathogenic for autosomal recessive hearing loss based on the ACMG/AMP criteria applied as specified by the Hearing Loss Expert Panel: PVS1, PM2_Supporting, PM3_Supporting (VCEP specifications version 2; 10.18.2023).

PreventionGenetics, part of Exact Sciences
Classification: Likely pathogenic for GJB2-related condition. Last evaluated: 2026-08-14. Review status: criteria provided, single submitter. Criteria: ACMG Guidelines, 2015. Collection method: clinical testing. Allele origin: germline. Not counted in ClinVar's aggregate classification.
Comment: The GJB2 c.2T>C variant is predicted to disrupt the translation initiation site (Start Loss). To our knowledge, this variant has not been reported in a patient with hearing loss or deafness. Alternate nucleotide changes affecting the same amino acid (p.Met1Ile, p.Met1Val) have been reported in individuals with hearing impairment or deafness (Estivill et al. 1998. PubMed ID: 9482292; Huang et al. 2018. PubMed ID: 29605365). A functional study of p.M1V using HeLa cells was unable to detect cell localization signal or intracellular coupling (Thönnissen et al. 2002. PubMed ID: 12189493). This variant is reported in 0.0029% of alleles in individuals of Latino descent in gnomAD. It is classified as pathogenic by the ClinGen Hearing Loss Variant Curation Expert Panel (ClinVar ID: 371781). This variant is interpreted as likely pathogenic.

Natera, Inc.
Classification: Likely pathogenic for Autosomal recessive deafness type 1A. Last evaluated: 2025-11-20. Review status: criteria provided, single submitter. Criteria: Natera Variant Classification Schema (03/2026). Collection method: clinical testing. Allele origin: germline. Not counted in ClinVar's aggregate classification.
Comment: The c.2T>C variant in GJB2 is predicted to result in start loss due to disruption of the initiator methionine. This variant is expected to result in nonsense mediated decay, truncation, or a dysfunctional protein product. This variant is rare in the general population with a frequency below the threshold expected for the associated phenotype(s). Given the available evidence, this variant is classified as Likely Pathogenic.

Fulgent Genetics
Classification: Pathogenic for Mutilating keratoderma; Autosomal dominant keratitis-ichthyosis-hearing loss syndrome; Palmoplantar keratoderma-deafness syndrome; Knuckle pads, deafness AND leukonychia syndrome; Autosomal recessive nonsyndromic hearing loss 1A; Autosomal dominant nonsyndromic hearing loss 3A. Last evaluated: 2024-05-04. Review status: criteria provided, single submitter. Criteria: ACMG Guidelines, 2015. Collection method: clinical testing. Allele origin: germline. Not counted in ClinVar's aggregate classification.

Labcorp Genetics (formerly Invitae), Labcorp
Classification: Pathogenic. Last evaluated: 2023-11-17. Review status: criteria provided, single submitter. Criteria: Invitae Variant Classification Sherloc (09022015). Collection method: clinical testing. Allele origin: germline. Not counted in ClinVar's aggregate classification.
Comment: This sequence change affects the initiator methionine of the GJB2 mRNA. The next in-frame methionine is located at codon 34. This variant is present in population databases (rs371086981, gnomAD 0.003%). Disruption of the initiator codon has been observed in individual(s) with autosomal recessive nonsyndromic deafness (PMID: 9482292, 29605365). ClinVar contains an entry for this variant (Variation ID: 371781). Studies have shown that disruption of the initiator codon alters GJB2 gene expression (PMID: 12189493). This variant disrupts a region of the GJB2 protein in which other variant(s) (p.Gly12Val) have been determined to be pathogenic (PMID: 10982180, 19371219, 24158611, 25288386). This suggests that this is a clinically significant region of the protein, and that variants that disrupt it are likely to be disease-causing. For these reasons, this variant has been classified as Pathogenic.

Women's Health and Genetics/Laboratory Corporation of America, LabCorp
Classification: Likely pathogenic for Nonsyndromic genetic hearing loss. Last evaluated: 2022-08-22. Review status: criteria provided, single submitter. Criteria: LabCorp Variant Classification Summary - May 2015. Collection method: clinical testing. Allele origin: germline. Not counted in ClinVar's aggregate classification.
Comment: Variant summary: GJB2 c.2T>C (p.Met1Thr) alters the initiation codon and is predicted to result either in absence of the protein or truncation of the encoded protein due to translation initiation at a downstream codon. Three of four in-silico tools predict a damaging effect of the variant on protein function. The variant allele was found at a frequency of 4e-06 in 249204 control chromosomes (gnomAD). The available data on variant occurrences in the general population are insufficient to allow any conclusion about variant significance. To our knowledge, no occurrence of c.2T>C in individuals affected with Non-Syndromic Hearing Loss and no experimental evidence demonstrating its impact on protein function have been reported. This variant disrupts the start codon for protein translation (ATG becomes ACG) and the next start codon is 32 amino acids downstream. Variants affecting the same codon (M1V) and other codons within the N terminal 32 amino acids (such as L6P, Q7P, L10P, G12V, R32C, etc) have been reported in many affected individuals, suggesting the functional importance of this codon and the N terminal region of this protein (example: PMID: 29605365, PMID: 9482292). Five clinical diagnostic laboratories have submitted clinical-significance assessments for this variant to ClinVar after 2014 and all laboratories classified the variant as pathogenic(n=3)/likely pathogenic(n=2). Based on the evidence outlined above, the variant was classified as likely pathogenic.

GeneDx
Classification: Pathogenic. Last evaluated: 2022-01-07. Review status: criteria provided, single submitter. Criteria: GeneDx Variant Classification Process June 2021. Collection method: clinical testing. Allele origin: germline. Affected: yes. Not counted in ClinVar's aggregate classification.
Comment: Initiation codon variant in a gene for which loss-of-function is a known mechanism of disease; Not observed at significant frequency in large population cohorts (gnomAD); Identified in one individual with a low grade glioma from a cohort of cancer patients as part of a large investigation of cancer predisposition variants (Huang et al., 2018); This variant is associated with the following publications: (PMID: 29625052)

Athena Diagnostics
Classification: Pathogenic. Last evaluated: 2018-11-09. Review status: criteria provided, single submitter. Criteria: Athena Diagnostics Criteria. Collection method: clinical testing. Allele origin: germline. Not counted in ClinVar's aggregate classification.
Comment: The variant disrupts the natural start codon, and is therefore predicted to result in the loss of a functional protein. Found in at least one symptomatic patient, and found in general population data that is consistent with pathogenicity.

Counsyl
Classification: Likely pathogenic for Autosomal recessive nonsyndromic hearing loss 1A. Last evaluated: 2016-10-11. Review status: no assertion criteria provided. Collection method: clinical testing. Allele origin: unknown. Not counted in ClinVar's aggregate classification.

Counsyl
Classification: Likely pathogenic for Autosomal dominant nonsyndromic hearing loss 3A. Last evaluated: 2016-10-11. Review status: no assertion criteria provided. Collection method: clinical testing. Allele origin: unknown. Not counted in ClinVar's aggregate classification.

Literature cited by the submitters: PubMed 9482292 (cited by Labcorp Genetics (formerly Invitae), Labcorp); PubMed 29605365 (cited by Labcorp Genetics (formerly Invitae), Labcorp); PubMed 12189493 (cited by Labcorp Genetics (formerly Invitae), Labcorp and Counsyl); PubMed 10982180 (cited by Labcorp Genetics (formerly Invitae), Labcorp); PubMed 19371219 (cited by Labcorp Genetics (formerly Invitae), Labcorp); PubMed 24158611 (cited by Labcorp Genetics (formerly Invitae), Labcorp); PubMed 25288386 (cited by Labcorp Genetics (formerly Invitae), Labcorp); PubMed 29625052 (cited by Women's Health and Genetics/Laboratory Corporation of America, LabCorp); PubMed 21094651 (cited by Counsyl).